The following is an entry in ClinVar:

ClinVar aggregate classification (germline): Uncertain significance. Review status: criteria provided, multiple submitters, no conflicts (2 of 4 stars). 2 submissions from 2 submitters: Uncertain significance (2). Last evaluated 2016-04-21.

Conditions:
Cardiac arrhythmia, ankyrin-B-related. Also called: ANKYRIN-B SYNDROME. Identifiers: Orphanet 101016, Orphanet 768, MedGen C1970119, MONDO:0010958, OMIM 600919.

Allele frequency attached by ClinVar (database versions not stated): gnomAD exomes 0.00002 and 0.00006; ExAC 0.00008; gnomAD 0.00011; TOPMed 0.00016; ESP Exome Variant Server 0.00029.
gnomAD v4.1: 44 of 1,610,860 alleles (0.0027%); highest among the groups gnomAD compares: African/African-American, 0.035%; no homozygotes.

Submissions (2):

GeneDx
Classification: Uncertain significance. Last evaluated: 2016-04-21. Review status: criteria provided, single submitter. Criteria: GeneDx Variant Classification (06012015). Collection method: clinical testing. Allele origin: germline. Affected: yes.
Comment: The R947H variant has not been published as a pathogenic variant, nor has it been reported as a benign variant to our knowledge. The R947H variant was not observed with any significant frequency in approximately 5,200 individuals of European and African American ancestry in the NHLBI Exome Sequencing Project, indicating it is not a common benign variant in these populations. Nevertheless, the R947H variant is a conservative amino acid substitution, which is not likely to impact secondary protein structure as these residues share similar properties. Furthermore, this substitution occurs at a position that is not conserved across species and in silico analysis is inconsistent in its predictions as to whether or not the variant is damaging to the protein structure/function. Therefore, based on the currently available information, it is unclear whether this variant is pathogenic or rare benign.

Center for Genomics, Ann and Robert H. Lurie Children's Hospital of Chicago
Classification: Uncertain significance for Cardiac arrhythmia, ankyrin-B-related. Review status: criteria provided, single submitter. Criteria: ACMG Guidelines, 2015. Collection method: clinical testing. Allele origin: germline.
Comment: ANK2 NM_001127493.1 exon 28 p.Arg947His (c.2840G>A): This variant has not been reported in the literature but is present in 0.04% (12/24094) of African alleles in the Genome Aggregation Database. This variant is present in ClinVar (Variation ID:190559). Evolutionary conservation for this variant is limited or unavailable; computational predictive tools suggest that this variant may not impact the protein. In summary, data on this variant is insufficient for disease classification. Therefore, the clinical significance of this variant is uncertain.

NM_001148.6(ANK2):c.2900+5141G>A

Gene: ANK2 (ankyrin 2; plus strand). Cytogenetic location: 4q26.
Variant type: single nucleotide variant.
Coding change: c.2900+5141G>A on transcript NM_001148.6 (MANE Select); 5141 bases into the intron after coding-DNA position 2900, G replaced by A.
Molecular consequence: intron variant. On other transcripts: missense variant (14).
Genome position (GRCh38, 1-based): chr4:113,323,761, G>A. VCF-style: chr4-113323761-G-A. GRCh37 (hg19) VCF-style: chr4-114244917-G-A.
Other names: p.R947H:CGC>CAC; c.2840G>A, p.Arg947His (NM_001127493.3); c.2945G>A, p.Arg982His (NM_001354230.2, NM_001354237.2); c.2903G>A, p.Arg968His (NM_001354232.2); c.2837G>A, p.Arg946His (NM_001354239.2, NM_001354252.2, NM_001354272.2); c.2804G>A, p.Arg935His (NM_001354245.2); c.2741G>A, p.Arg914His (NM_001354253.2, NM_001354270.2); c.530G>A, p.Arg177His (NM_001354279.2, NM_001354282.2); and 25 more; short protein forms R947H, R982H, R177H, R914H, R935H, R946H, R968H, R1003H.
Identifiers: ClinVar variation 190559 (VCV000190559.4), dbSNP rs373770811, ClinGen allele CA300855.